The following is an entry in ClinVar:

ClinVar aggregate classification (germline): Benign. Review status: criteria provided, multiple submitters, no conflicts (2 of 4 stars). 2 submissions from 2 submitters: Benign (2). Last evaluated 2021-06-19.

Allele frequency attached by ClinVar (database versions not stated): gnomAD 0.24477 and 0.25376; TOPMed 0.25871; 1000 Genomes Project 30x 0.32292; 1000 Genomes Project 0.32748.

Submissions (2):

GeneDx
Classification: Benign. Last evaluated: 2021-06-19. Review status: criteria provided, single submitter. Criteria: GeneDx Variant Classification Process June 2021. Collection method: clinical testing. Allele origin: germline. Affected: yes.
Comment: This variant is associated with the following publications: (PMID: 21665992)

Breakthrough Genomics
Classification: Benign. Review status: criteria provided, single submitter. Criteria: ACMG Guidelines, 2015. Collection method: not provided. Allele origin: germline. Inheritance: Unknown mechanism. Affected: yes.

NM_020713.3(ZNF512B):c.1969-113C>T

Gene: ZNF512B (zinc finger protein 512B; minus strand). Cytogenetic location: 20q13.33.
Variant type: single nucleotide variant.
Coding change: c.1969-113C>T on transcript NM_020713.3 (MANE Select); 113 bases into the intron before coding-DNA position 1969, C replaced by T.
Molecular consequence: intron variant.
Genome position (GRCh38, 1-based): chr20:63,962,894, G>A on the plus strand (C>T on the coding strand, the complement: ZNF512B is on the minus strand). VCF-style: chr20-63962894-G-A. GRCh37 (hg19) VCF-style: chr20-62594247-G-A.
Identifiers: ClinVar variation 1234322 (VCV001234322.4), dbSNP rs2275294, ClinGen allele CA14824514.